The following is an entry in ClinVar:

ClinVar aggregate classification (germline): Pathogenic (0 of 4 stars; one submission).

Conditions:
Vici syndrome (VICIS). Identifiers: Orphanet 1493, MedGen C1855772, MONDO:0009452, OMIM 242840.

Submission:

Department Of Pediatrics And Neonatology, Nagoya City University Graduate School Of Medical Sciences
Classification: Pathogenic for Vici syndrome. Last evaluated: 2016-08-11. Review status: no assertion criteria provided. Collection method: research. Allele origin: germline. Affected: yes. Observed: 2 variant alleles.
Comment: This mutaion was confirmed compound heterozygosity.

The mutation was identified with whole-exome sequencing (WES) using Agilent SureSelect V5 probes and Illumina HiSeq 2000 Sequencer.

Literature cited by the submitters: PubMed 28615637; PubMed 3344762; PubMed 21965116.

NM_020964.2(EPG5):c.[3152C>G;4230G>A]

Variant type: Haplotype.
Identifiers: ClinVar variation 267445 (VCV000267445.4).